The following is an entry in ClinVar:

ClinVar aggregate classification (germline): Uncertain significance (1 of 4 stars; one submission).

Conditions:
Hereditary cancer-predisposing syndrome. Also called: Hereditary Cancer Syndrome; Hereditary neoplastic syndrome; Neoplastic Syndromes, Hereditary; Tumor predisposition. Identifiers: Orphanet 140162, MedGen C0027672, MeSH D009386, MONDO:0015356.

Allele frequency attached by ClinVar (database versions not stated): gnomAD exomes below 0.00001; gnomAD 0.00001; TOPMed 0.00001.
gnomAD v4.1: 3 of 1,614,008 alleles (0.00019%); highest among the groups gnomAD compares: Non-Finnish European, 0.00025%; no homozygotes.

Submission:

Ambry Genetics
Classification: Uncertain significance for Hereditary cancer-predisposing syndrome. Last evaluated: 2022-02-06. Review status: criteria provided, single submitter. Criteria: Ambry Variant Classification Scheme 2023. Collection method: clinical testing. Allele origin: germline.
Comment: The p.A210V variant (also known as c.629C>T), located in coding exon 1 of the ALK gene, results from a C to T substitution at nucleotide position 629. The alanine at codon 210 is replaced by valine, an amino acid with similar properties. This amino acid position is conserved. In addition, this alteration is predicted to be deleterious by in silico analysis. Since supporting evidence is limited at this time, the clinical significance of this alteration remains unclear.

NM_004304.5(ALK):c.629C>T (p.Ala210Val)

Gene: ALK (ALK receptor tyrosine kinase; minus strand). Cytogenetic location: 2p23.1.
Variant type: single nucleotide variant.
Coding change: c.629C>T on transcript NM_004304.5 (MANE Select); coding-DNA position 629, C replaced by T.
Protein change: p.Ala210Val; replaces alanine 210 with valine.
Molecular consequence: missense variant.
Genome position (GRCh38, 1-based): chr2:29,920,031, G>A on the plus strand (C>T on the coding strand, the complement: ALK is on the minus strand). VCF-style: chr2-29920031-G-A. GRCh37 (hg19) VCF-style: chr2-30142897-G-A.
Other names: short protein forms A210V.
Identifiers: ClinVar variation 1752689 (VCV001752689.2), dbSNP rs1382146302, ClinGen allele CA346589655.